The following is an entry in ClinVar:

ClinVar aggregate classification (germline): Pathogenic (1 of 4 stars; one submission).

Submission:

GeneDx
Classification: Pathogenic. Last evaluated: 2015-08-13. Review status: criteria provided, single submitter. Criteria: GeneDx Variant Classification (06012015). Collection method: clinical testing. Allele origin: germline. Affected: yes.
Comment: The c.678dupC duplication in the BCOR gene causes a frameshift starting with codon Tyrosine 227, changesthis amino acid to a Leucine residue and creates a premature Stop codon at position 74 of the new readingframe, denoted p.Tyr227LeufsX74. This duplication is predicted to cause loss of normal protein functioneither through protein truncation or nonsense-mediated mRNA decay. The c.678dupC variant was notobserved in approximately 6,500 individuals of European and African American ancestry in the NHLBIExome Sequencing Project, indicating it is not a common benign variant in these populations. Although thisvariant has not been previously reported to our knowledge, we interpret it as pathogenic.

NM_001123385.2(BCOR):c.678dup (p.Tyr227fs)

Genes: BCOR (BCL6 corepressor; minus strand), LOC126863239 (MED14-independent group 3 enhancer GRCh37_chrX:39932994-39934193; plus strand). Cytogenetic location: Xp11.4.
Variant type: Duplication.
Coding change: c.678dup on transcript NM_001123385.2 (MANE Select); coding-DNA position 678, one base duplicated (C; older notation c.678dupC).
Protein change: p.Tyr227fs; shifts the reading frame from tyrosine 227.
Molecular consequence: frameshift variant.
Genome position (GRCh38, 1-based): chrX:40,074,668, G duplicated on the plus strand (C on the coding strand, the reverse complement: BCOR is on the minus strand); the first of 2 consecutive G bases (chrX:40,074,668-40,074,669); duplicating either gives the same sequence. VCF-style (leftmost placement, unchanged base first): chrX-40074667-A-AG. GRCh37 (hg19) VCF-style: chrX-39933920-A-AG.
Other names: c.677dup, p.Tyr227Leufs (NM_001123383.2); c.678dup, p.Tyr227fs (NM_001123384.2, NM_017745.6); short protein forms Y227fs.
Identifiers: ClinVar variation 419569 (VCV000419569.2), dbSNP rs1555919695, ClinGen allele CA16621372.